The following is an entry in ClinVar:

ClinVar aggregate classification (germline): Benign/Likely benign. Review status: criteria provided, multiple submitters, no conflicts (2 of 4 stars). 4 submissions from 4 submitters: Benign (1); Likely benign (3). Last evaluated 2025-09-10.

Conditions:
Cowden syndrome 6 (CWS6). Identifiers: Orphanet 201, MedGen C3554519, MONDO:0014048, OMIM 615109.
AKT1-related disorder. Also called: AKT1-related condition.
Inborn genetic diseases. Identifiers: MedGen C0950123, MeSH D030342.

Allele frequency attached by ClinVar (database versions not stated): gnomAD exomes 0.00012 and 0.00027; ExAC 0.00035; 1000 Genomes Project 0.00040; 1000 Genomes Project 30x 0.00047; gnomAD 0.00057 and 0.00060; TOPMed 0.00075; ESP Exome Variant Server 0.00100.

Submissions (4):

Labcorp Genetics (formerly Invitae), Labcorp
Classification: Benign for Cowden syndrome 6. Last evaluated: 2025-09-10. Review status: criteria provided, single submitter. Criteria: Invitae Variant Classification Sherloc (09022015). Collection method: clinical testing. Allele origin: germline.

PreventionGenetics, part of Exact Sciences
Classification: Likely benign for AKT1-related condition. Last evaluated: 2025-03-18. Review status: criteria provided, single submitter. Criteria: ACMG Guidelines, 2015. Collection method: clinical testing. Allele origin: germline.
Comment: This variant is classified as likely benign based on ACMG/AMP sequence variant interpretation guidelines (Richards et al. 2015 PMID: 25741868, with internal and published modifications).

CeGaT Center for Human Genetics Tuebingen
Classification: Likely benign. Last evaluated: 2023-12-01. Review status: criteria provided, single submitter. Criteria: CeGaT Center For Human Genetics Tuebingen Variant Classification Criteria Version 2. Collection method: clinical testing. Allele origin: germline. Affected: yes. Observed: 1 variant allele.
Comment: AKT1: BP4, BP7

Ambry Genetics
Classification: Likely benign for Inborn genetic diseases. Last evaluated: 2022-02-17. Review status: criteria provided, single submitter. Criteria: Ambry Variant Classification Scheme 2023. Collection method: clinical testing. Allele origin: germline.

NM_001382430.1(AKT1):c.432C>T (p.Arg144=)

Gene: AKT1 (AKT serine/threonine kinase 1; minus strand). Cytogenetic location: 14q32.33.
Variant type: single nucleotide variant.
Coding change: c.432C>T on transcript NM_001382430.1 (MANE Select); coding-DNA position 432, C replaced by T.
Protein change: p.Arg144=; no amino-acid change (arginine 144 retained).
Molecular consequence: synonymous variant.
Genome position (GRCh38, 1-based): chr14:104,775,655, G>A on the plus strand (C>T on the coding strand, the complement: AKT1 is on the minus strand). VCF-style: chr14-104775655-G-A. GRCh37 (hg19) VCF-style: chr14-105241992-G-A.
Other names: c.432C>T, p.Arg144= (NM_001014431.2, NM_001014432.2, NM_001382431.1 and 3 more transcripts).
Identifiers: ClinVar variation 240113 (VCV000240113.37), dbSNP rs17846825, ClinGen allele CA7374800.